The following is an entry in ClinVar:

ClinVar aggregate classification (germline): Likely benign. Review status: criteria provided, multiple submitters, no conflicts (2 of 4 stars). 3 submissions from 3 submitters: Likely benign (2). 1 of the submissions does not count toward it. Last evaluated 2022-09-07.

Conditions:
CHD7-related disorder. Also called: CHD7-related condition.
CHARGE syndrome (CHARGE). Also called: Hittner Hirsch Kreh syndrome; CHARGE ASSOCIATION--COLOBOMA, HEART ANOMALY, CHOANAL ATRESIA, RETARDATION, GENITAL AND EAR ANOMALIES; Coloboma, heart anomaly, choanal atresia, retardation, genital and ear anomalies; CHARGE association; Hall-Hittner syndrome. Identifiers: Orphanet 138, MedGen C0265354, MONDO:0008965.

Allele frequency attached by ClinVar (database versions not stated): ExAC 0.00001; gnomAD exomes 0.00001; TOPMed 0.00001; gnomAD 0.00002.

Submissions (3):

Labcorp Genetics (formerly Invitae), Labcorp
Classification: Likely benign for CHARGE syndrome. Last evaluated: 2022-09-07. Review status: criteria provided, single submitter. Criteria: Invitae Variant Classification Sherloc (09022015). Collection method: clinical testing. Allele origin: germline.

CeGaT Center for Human Genetics Tuebingen
Classification: Likely benign. Last evaluated: 2021-02-01. Review status: criteria provided, single submitter. Criteria: CeGaT Center For Human Genetics Tuebingen Variant Classification Criteria Version 2. Collection method: clinical testing. Allele origin: germline. Affected: yes. Observed: 1 variant allele.

PreventionGenetics, part of Exact Sciences
Classification: Likely benign for CHD7-related condition. Last evaluated: 2022-12-29. Review status: no assertion criteria provided. Collection method: clinical testing. Allele origin: germline. Not counted in ClinVar's aggregate classification.
Comment: This variant is classified as likely benign based on ACMG/AMP sequence variant interpretation guidelines (Richards et al. 2015 PMID: 25741868, with internal and published modifications).

NM_017780.4(CHD7):c.4692C>G (p.Leu1564=)

Gene: CHD7 (chromodomain helicase DNA binding protein 7; plus strand). Cytogenetic location: 8q12.2.
Variant type: single nucleotide variant.
Coding change: c.4692C>G on transcript NM_017780.4 (MANE Select); coding-DNA position 4692, C replaced by G.
Protein change: p.Leu1564=; no amino-acid change (leucine 1564 retained).
Molecular consequence: synonymous variant. On other transcripts: intron variant (1).
Genome position (GRCh38, 1-based): chr8:60,841,894, C>G. VCF-style: chr8-60841894-C-G. GRCh37 (hg19) VCF-style: chr8-61754453-C-G.
Other names: c.1717-20335C>G (NM_001316690.1).
Identifiers: ClinVar variation 747063 (VCV000747063.42), dbSNP rs777176819, ClinGen allele CA4760180.